The following is an entry in ClinVar:

NM_001386298.1(CIC):c.6606C>T (p.Pro2202=)

Gene: CIC (capicua transcriptional repressor; plus strand). Cytogenetic location: 19q13.2.
Variant type: single nucleotide variant.
Coding change: c.6606C>T on transcript NM_001386298.1 (MANE Select); coding-DNA position 6606, C replaced by T.
Protein change: p.Pro2202=; no amino-acid change (proline 2202 retained).
Molecular consequence: synonymous variant.
Genome position (GRCh38, 1-based): chr19:42,293,675, C>T. VCF-style: chr19-42293675-C-T. GRCh37 (hg19) VCF-style: chr19-42797827-C-T.
Other names: c.6606C>T, p.Pro2202= (NM_001304815.2, NM_001379482.1); c.6603C>T, p.Pro2201= (NM_001379480.1); c.3879C>T, p.Pro1293= (NM_001379484.1, NM_001379485.1, NM_015125.5).
Identifiers: ClinVar variation 3357792 (VCV003357792.1).

ClinVar aggregate classification (germline): Likely benign (0 of 4 stars; one submission).

Conditions:
CIC-related disorder. Also called: CIC-related condition.

gnomAD v4.1: 12 of 1,612,690 alleles (0.00074%); highest among the groups gnomAD compares: Admixed American, 0.02%; no homozygotes.

Submission:

PreventionGenetics, part of Exact Sciences
Classification: Likely benign for CIC-related condition. Last evaluated: 2024-07-12. Review status: no assertion criteria provided. Collection method: clinical testing. Allele origin: germline.
Comment: This variant is classified as likely benign based on ACMG/AMP sequence variant interpretation guidelines (Richards et al. 2015 PMID: 25741868, with internal and published modifications).